The following is an entry in ClinVar:

NM_004186.5(SEMA3F):c.312C>T (p.Cys104=)

Gene: SEMA3F (semaphorin 3F; plus strand). Cytogenetic location: 3p21.31.
Variant type: single nucleotide variant.
Coding change: c.312C>T on transcript NM_004186.5 (MANE Select); coding-DNA position 312, C replaced by T.
Protein change: p.Cys104=; no amino-acid change (cysteine 104 retained).
Molecular consequence: synonymous variant.
Genome position (GRCh38, 1-based): chr3:50,174,090, C>T. VCF-style: chr3-50174090-C-T. GRCh37 (hg19) VCF-style: chr3-50211523-C-T.
Other names: c.108C>T, p.Cys36= (NM_001318798.2); c.312C>T, p.Cys104= (NM_001318800.2).
Identifiers: ClinVar variation 3351031 (VCV003351031.1).

ClinVar aggregate classification (germline): Likely benign (0 of 4 stars; one submission).

Conditions:
SEMA3F-related disorder. Also called: SEMA3F-related condition.

gnomAD v4.1: 38 of 1,614,016 alleles (0.0024%); highest among the groups gnomAD compares: African/African-American, 0.0093%; no homozygotes.

Submission:

PreventionGenetics, part of Exact Sciences
Classification: Likely benign for SEMA3F-related condition. Last evaluated: 2021-10-20. Review status: no assertion criteria provided. Collection method: clinical testing. Allele origin: germline.
Comment: This variant is classified as likely benign based on ACMG/AMP sequence variant interpretation guidelines (Richards et al. 2015 PMID: 25741868, with internal and published modifications).